The following is an entry in ClinVar:

NM_001039591.3(USP9X):c.2888C>T (p.Ala963Val)

Gene: USP9X (ubiquitin specific peptidase 9 X-linked; plus strand). Cytogenetic location: Xp11.4.
Variant type: single nucleotide variant.
Coding change: c.2888C>T on transcript NM_001039591.3 (MANE Select); coding-DNA position 2888, C replaced by T.
Protein change: p.Ala963Val; replaces alanine 963 with valine.
Molecular consequence: missense variant.
Genome position (GRCh38, 1-based): chrX:41,170,480, C>T. VCF-style: chrX-41170480-C-T. GRCh37 (hg19) VCF-style: chrX-41029733-C-T.
Other names: c.2888C>T, p.Ala963Val (NM_001039590.3); c.2903C>T, p.Ala968Val (NM_001410748.1, NM_001410749.1); short protein forms A963V, A968V.
Identifiers: ClinVar variation 3038254 (VCV003038254.2), dbSNP rs2062716219, ClinGen allele CA412759099.

ClinVar aggregate classification (germline): Uncertain significance (0 of 4 stars; one submission).

Conditions:
USP9X-related disorder. Also called: USP9X-related condition.

Submission:

PreventionGenetics, part of Exact Sciences
Classification: Uncertain significance for USP9X-related condition. Last evaluated: 2024-02-02. Review status: no assertion criteria provided. Collection method: clinical testing. Allele origin: germline.
Comment: The USP9X c.2888C>T variant is predicted to result in the amino acid substitution p.Ala963Val. To our knowledge, this variant has not been reported in the literature or in a large population database, indicating this variant is rare. At this time, the clinical significance of this variant is uncertain due to the absence of conclusive functional and genetic evidence.